The following is an entry in ClinVar:

ClinVar aggregate classification (germline): Uncertain significance. Review status: criteria provided, multiple submitters, no conflicts (2 of 4 stars). 3 submissions from 3 submitters: Uncertain significance (2). 1 of the submissions does not count toward it. Last evaluated 2025-10-21.

Conditions:
Fanconi anemia complementation group A (FANCA). Also called: FANCA-Related Fanconi Anemia; Fanconi anemia, group A. Identifiers: Orphanet 84, MedGen C3469521, MONDO:0009215, OMIM 227650.
Fanconi anemia (FA). Also called: Fanconi's anemia. Identifiers: Orphanet 84, MedGen C0015625, MeSH D005199, MONDO:0019391.

Submissions (3):

Labcorp Genetics (formerly Invitae), Labcorp
Classification: Uncertain significance for Fanconi anemia. Last evaluated: 2025-10-21. Review status: criteria provided, single submitter. Criteria: Invitae Variant Classification Sherloc (09022015). Collection method: clinical testing. Allele origin: germline.
Comment: This sequence change replaces glutamic acid, which is acidic and polar, with lysine, which is basic and polar, at codon 169 of the FANCA protein (p.Glu169Lys). This variant is present in population databases (rs372691338, gnomAD 0.02%). This variant has not been reported in the literature in individuals affected with FANCA-related conditions. ClinVar contains an entry for this variant (Variation ID: 856187). Invitae Evidence Modeling of protein sequence and biophysical properties (such as structural, functional, and spatial information, amino acid conservation, physicochemical variation, residue mobility, and thermodynamic stability) has been performed for this missense variant. However, the output from this modeling did not meet the statistical confidence thresholds required to predict the impact of this variant on FANCA protein function. Algorithms developed to predict the effect of sequence changes on RNA splicing suggest that this variant may disrupt the consensus splice site. In summary, the available evidence is currently insufficient to determine the role of this variant in disease. Therefore, it has been classified as a Variant of Uncertain Significance.

Fulgent Genetics
Classification: Uncertain significance for Fanconi anemia complementation group A. Last evaluated: 2024-03-26. Review status: criteria provided, single submitter. Criteria: ACMG Guidelines, 2015. Collection method: clinical testing. Allele origin: germline.

Natera, Inc.
Classification: Uncertain significance for Fanconi anemia. Last evaluated: 2021-02-15. Review status: no assertion criteria provided. Collection method: clinical testing. Allele origin: germline. Not counted in ClinVar's aggregate classification.

NM_000135.4(FANCA):c.505G>A (p.Glu169Lys)

Gene: FANCA (FA complementation group A; minus strand). Cytogenetic location: 16q24.3.
Variant type: single nucleotide variant.
Coding change: c.505G>A on transcript NM_000135.4 (MANE Select); coding-DNA position 505, G replaced by A.
Protein change: p.Glu169Lys; replaces glutamic acid 169 with lysine.
Molecular consequence: missense variant. On other transcripts: intron variant (1).
Genome position (GRCh38, 1-based): chr16:89,810,724, C>T on the plus strand (G>A on the coding strand, the complement: FANCA is on the minus strand). VCF-style: chr16-89810724-C-T. GRCh37 (hg19) VCF-style: chr16-89877132-C-T.
Other names: c.505G>A, p.Glu169Lys (NM_001018112.3, NM_001286167.3); c.426+205G>A (NM_001351830.2); short protein forms E169K.
Identifiers: ClinVar variation 856187 (VCV000856187.10), dbSNP rs372691338, ClinGen allele CA8252990.